The following is an entry in ClinVar:

ClinVar aggregate classification (germline): Uncertain significance (1 of 4 stars; one submission).

Conditions:
Cardiovascular phenotype. Identifiers: MedGen CN230736.

Submission:

Ambry Genetics
Classification: Uncertain significance for Cardiovascular phenotype. Last evaluated: 2022-03-14. Review status: criteria provided, single submitter. Criteria: Ambry Variant Classification Scheme 2023. Collection method: clinical testing. Allele origin: germline.
Comment: The c.19037_19039delCCT variant (also known as p.S6346del) is located in coding exon 75 of the TTN gene. This variant results from an in-frame CCT deletion at nucleotide positions 19037 to 19039. This results in the in-frame deletion of a serine at codon 6346. This amino acid position is not well conserved in available vertebrate species. In addition, this alteration is predicted to be deleterious by in silico analysis (Choi Y et al. PLoS ONE. 2012; 7(10):e46688). Since supporting evidence is limited at this time, the clinical significance of this alteration remains unclear.

NM_001267550.2(TTN):c.46232_46234del (p.Ser15411del)

Gene: TTN (titin; minus strand). Cytogenetic location: 2q31.2.
Variant type: Deletion.
Coding change: c.46232_46234del on transcript NM_001267550.2 (MANE Select); coding-DNA positions 46232 to 46234, 3 bases deleted (CCT; older notation c.46232_46234delCCT).
Protein change: p.Ser15411del; deletes serine 15411.
Molecular consequence: inframe deletion.
Genome position (GRCh38, 1-based): chr2:178,620,287-178,620,289, AGG deleted on the plus strand (CCT on the coding strand, the reverse complement: TTN is on the minus strand); deleting any 3 consecutive bases within chr2:178,620,287-178,620,291 gives the same sequence; the c. name uses the placement nearest the transcript's 3' end. VCF-style (leftmost placement, unchanged base first): chr2-178620286-CAGG-C. GRCh37 (hg19) VCF-style: chr2-179485013-CAGG-C.
Other names: c.41309_41311del, p.Ser13770del (NM_001256850.1); c.19037_19039del, p.Ser6346del (NM_003319.4); c.38528_38530del, p.Ser12843del (NM_133378.4); c.19412_19414del, p.Ser6471del (NM_133432.3); c.19613_19615del, p.Ser6538del (NM_133437.4); c.19037_19039delCCT (NM_003319.4); short protein forms S12843del, S6346del, S15411del, S6538del, S6471del, S13770del.
Identifiers: ClinVar variation 1782339 (VCV001782339.2), dbSNP rs750724970, ClinGen allele CA1995282.